The following is an entry in ClinVar:

ClinVar aggregate classification (germline): Likely pathogenic (1 of 4 stars; one submission).

Conditions:
Ataxia - intellectual disability - oculomotor apraxia - cerebellar cysts syndrome. Also called: Poretti-Boltshauser syndrome. Identifiers: Orphanet 370022, MedGen C4014821, MONDO:0014419, OMIM 615960.

Submission:

Juno Genomics, Hangzhou Juno Genomics, Inc
Classification: Likely pathogenic for Ataxia - intellectual disability - oculomotor apraxia - cerebellar cysts syndrome. Review status: criteria provided, single submitter. Criteria: ACMG Guidelines, 2015. Collection method: clinical testing. Allele origin: germline. Affected: yes.
Comment: Null variant in a gene where loss of function (LOF) is a known mechanism of disease.;Absent from controls (or at extremely low frequency if recessive) in Genome Aggregation Database, Exome Sequencing Project, 1000 Genomes Project, or Exome Aggregation Consortium.

NM_005559.4(LAMA1):c.7744C>T (p.Gln2582Ter)

Genes: LAMA1 (laminin subunit alpha 1; minus strand), LOC126862685 (BRD4-independent group 4 enhancer GRCh37_chr18:6958646-6959845; plus strand). Cytogenetic location: 18p11.31.
Variant type: single nucleotide variant.
Coding change: c.7744C>T on transcript NM_005559.4 (MANE Select); coding-DNA position 7744, C replaced by T.
Protein change: p.Gln2582Ter; replaces glutamine 2582 with a stop codon.
Molecular consequence: nonsense.
Genome position (GRCh38, 1-based): chr18:6,959,375, G>A on the plus strand (C>T on the coding strand, the complement: LAMA1 is on the minus strand). VCF-style: chr18-6959375-G-A. GRCh37 (hg19) VCF-style: chr18-6959374-G-A.
Other names: short protein forms Q2582*.
Identifiers: ClinVar variation 3383093 (VCV003383093.2).
Genomic context (GRCh38, chr18:6,959,375, plus strand): 5'-CACACTGCCTGGCCGCGTGCAAGTACCTCCGATTCCTGACCAAGGAGATGGAATGCGCTT[G>A]TCCATCACTGCAGGTACCCGTGGGAGCGTGCAGGAGAGCTTTTCTCAGGCCTGTCCCATC-3'